The following is an entry in ClinVar:

NM_015057.5(MYCBP2):c.2940-7A>G

Gene: MYCBP2 (MYC binding protein 2; minus strand). Cytogenetic location: 13q22.3.
Variant type: single nucleotide variant.
Coding change: c.2940-7A>G on transcript NM_015057.5 (MANE Select); 7 bases into the intron before coding-DNA position 2940, A replaced by G.
Molecular consequence: intron variant.
Genome position (GRCh38, 1-based): chr13:77,217,964, T>C on the plus strand (A>G on the coding strand, the complement: MYCBP2 is on the minus strand). VCF-style: chr13-77217964-T-C. GRCh37 (hg19) VCF-style: chr13-77792099-T-C.
Other names: NC_000013.10:g.77792099T>C.
Identifiers: ClinVar variation 779955 (VCV000779955.8), dbSNP rs79698158, ClinGen allele CA7010080.

ClinVar aggregate classification (germline): Benign. Review status: criteria provided, multiple submitters, no conflicts (2 of 4 stars). 3 submissions from 3 submitters: Benign (2). 1 of the submissions does not count toward it. Last evaluated 2019-12-31.

Conditions:
MYCBP2-related disorder. Also called: MYCBP2-related condition.

Allele frequency attached by ClinVar (database versions not stated): ESP Exome Variant Server 0.00123; 1000 Genomes Project 0.03055.
gnomAD v4.1: 7,814 of 1,403,100 alleles (0.56%); highest among the groups gnomAD compares: East Asian, 13%; 73 homozygotes.

Submissions (6):

Labcorp Genetics (formerly Invitae), Labcorp
Classification: Benign. Last evaluated: 2019-12-31. Review status: criteria provided, single submitter. Criteria: Invitae Variant Classification Sherloc (09022015). Collection method: clinical testing. Allele origin: germline.

Breakthrough Genomics
Classification: Benign. Review status: criteria provided, single submitter. Criteria: ACMG Guidelines, 2015. Collection method: not provided. Allele origin: germline. Inheritance: Unknown mechanism. Affected: yes.

PreventionGenetics, part of Exact Sciences
Classification: Benign for MYCBP2-related condition. Last evaluated: 2024-01-05. Review status: no assertion criteria provided. Collection method: clinical testing. Allele origin: germline. Not counted in ClinVar's aggregate classification.
Comment: This variant is classified as benign based on ACMG/AMP sequence variant interpretation guidelines (Richards et al. 2015 PMID: 25741868, with internal and published modifications).

Dr. Peter K. Rogan Lab, Western University
No classification provided (evidence only). Condition: Gastric cancer. Review status: no classification provided. Collection method: in vitro. Allele origin: not applicable. Functional consequence: retained intron. Not counted in ClinVar's aggregate classification.

Dr. Peter K. Rogan Lab, Western University
No classification provided (evidence only). Condition: Malignant tumor of esophagus. Review status: no classification provided. Collection method: in vitro. Allele origin: not applicable. Functional consequence: skipped exon, retained intron. Not counted in ClinVar's aggregate classification.

Dr. Peter K. Rogan Lab, Western University
No classification provided (evidence only). Condition: Malignant tumor of esophagus. Review status: no classification provided. Collection method: in vitro. Allele origin: not applicable. Functional consequence: retained intron. Not counted in ClinVar's aggregate classification.